The following is an entry in ClinVar:

NM_024740.2(ALG9):c.467_471del (p.Tyr156fs)

Gene: ALG9 (ALG9 alpha-1,2-mannosyltransferase; minus strand). Cytogenetic location: 11q23.1.
Variant type: Microsatellite.
Coding change: c.467_471del on transcript NM_024740.2 (MANE Select); coding-DNA positions 467 to 471, 5 bases deleted (ACTTT; older notation c.467_471delACTTT).
Protein change: p.Tyr156fs; shifts the reading frame from tyrosine 156.
Molecular consequence: frameshift variant. On other transcripts: 5 prime UTR variant (15), non-coding transcript variant (1).
Genome position (GRCh38, 1-based): chr11:111,865,186-111,865,190, AAAGT deleted on the plus strand (ACTTT on the coding strand, the reverse complement: ALG9 is on the minus strand); deleting any 5 consecutive bases within chr11:111,865,186-111,865,195 gives the same sequence; the c. name uses the placement nearest the transcript's 3' end. VCF-style (leftmost placement, unchanged base first): chr11-111865185-AAAAGT-A. GRCh37 (hg19) VCF-style: chr11-111735908-AAAAGT-A.
Other names: c.467_471del5 (NM_024740.2); c.467_471del, p.Tyr156fs (NM_001077690.1, NM_001352417.1, NM_001352418.1 and 4 more transcripts); c.-52ACTTT[1] (NM_001077691.2, NM_001077692.2, NM_001352409.1 and 11 more transcripts); c.-270ACTTT[1] (NM_001352422.2); short protein forms Y156fs.
Identifiers: ClinVar variation 5002139 (VCV005002139.1).

ClinVar aggregate classification (germline): Likely pathogenic (1 of 4 stars; one submission).

Conditions:
ALG9-related disorder. Also called: ALG9-related condition.

Submission:

PreventionGenetics, part of Exact Sciences
Classification: Likely pathogenic for ALG9-related condition. Last evaluated: 2025-03-20. Review status: criteria provided, single submitter. Criteria: ACMG Guidelines, 2015. Collection method: clinical testing. Allele origin: germline.
Comment: The ALG9 c.467_471del5 variant is predicted to result in a frameshift and premature protein termination (p.Tyr156Leufs*36). To our knowledge, this variant has not been reported in the literature or in a large population database (gnomAD), indicating this variant is rare. Frameshift variants in ALG9 are expected to be pathogenic. This variant is interpreted as likely pathogenic for both autosomal dominant and recessive ALG9-related disorders.